The following is an entry in ClinVar:

NM_080605.4(B3GALT6):c.986C>T (p.Pro329Leu)

Gene: B3GALT6 (beta-1,3-galactosyltransferase 6; plus strand). Cytogenetic location: 1p36.33.
Variant type: single nucleotide variant.
Coding change: c.986C>T on transcript NM_080605.4 (MANE Select); coding-DNA position 986, C replaced by T.
Protein change: p.Pro329Leu; replaces proline 329 with leucine.
Molecular consequence: missense variant.
Genome position (GRCh38, 1-based): chr1:1,233,264, C>T. VCF-style: chr1-1233264-C-T. GRCh37 (hg19) VCF-style: chr1-1168644-C-T.
Other names: short protein forms P329L.
Identifiers: ClinVar variation 3748197 (VCV003748197.3).

ClinVar aggregate classification (germline): Uncertain significance. Review status: criteria provided, multiple submitters, no conflicts (2 of 4 stars). 2 submissions from 2 submitters: Uncertain significance (2). Last evaluated 2026-04-15.

Conditions:
Ehlers-Danlos syndrome, spondylodysplastic type, 2 (EDSSPD2). Also called: Ehlers-Danlos syndrome, progeroid type, 2. Identifiers: Orphanet 536467, Orphanet 75496, MedGen C3809210, MONDO:0014139, OMIM 615349.
Spondyloepimetaphyseal dysplasia with joint laxity (SEMDJL). Identifiers: MedGen C0432243, MONDO:0019675.

gnomAD v4.1: 8 of 1,456,996 alleles (0.00055%); highest among the groups gnomAD compares: Non-Finnish European, 0.00072%; no homozygotes.

Submissions (2):

Women's Health and Genetics/Laboratory Corporation of America, LabCorp
Classification: Uncertain significance. Last evaluated: 2026-04-15. Review status: criteria provided, single submitter. Criteria: LabCorp Variant Classification Summary - May 2015. Collection method: clinical testing. Allele origin: germline.
Comment: Variant summary: B3GALT6 c.986C>T (p.Pro329Leu) results in a non-conservative amino acid change in the encoded protein sequence. Algorithms developed to predict the effect of missense changes on protein structure and function are either unavailable or do not agree on the potential impact of this missense change. The variant was absent in 64306 control chromosomes. The available data on variant occurrences in the general population are insufficient to allow any conclusion about variant significance. To our knowledge, no occurrence of c.986C>T in individuals affected with B3GALT6-related conditions and no experimental evidence demonstrating its impact on protein function have been reported. ClinVar contains an entry for this variant (Variation ID: 3748197). Based on the evidence outlined above, the variant was classified as uncertain significance.

Labcorp Genetics (formerly Invitae), Labcorp
Classification: Uncertain significance for Ehlers-Danlos syndrome, spondylodysplastic type, 2; Spondyloepimetaphyseal dysplasia with joint laxity. Last evaluated: 2024-11-29. Review status: criteria provided, single submitter. Criteria: Invitae Variant Classification Sherloc (09022015). Collection method: clinical testing. Allele origin: germline.
Comment: This sequence change replaces proline, which is neutral and non-polar, with leucine, which is neutral and non-polar, at codon 329 of the B3GALT6 protein (p.Pro329Leu). This variant is not present in population databases (gnomAD no frequency). This variant has not been reported in the literature in individuals affected with B3GALT6-related conditions. An algorithm developed to predict the effect of missense changes on protein structure and function (PolyPhen-2) suggests that this variant is likely to be disruptive. In summary, the available evidence is currently insufficient to determine the role of this variant in disease. Therefore, it has been classified as a Variant of Uncertain Significance.